The following is an entry in ClinVar:

NM_005359.6(SMAD4):c.557C>G (p.Pro186Arg)

Gene: SMAD4 (SMAD family member 4; plus strand). Cytogenetic location: 18q21.2.
Variant type: single nucleotide variant.
Coding change: c.557C>G on transcript NM_005359.6 (MANE Select); coding-DNA position 557, C replaced by G.
Protein change: p.Pro186Arg; replaces proline 186 with arginine.
Molecular consequence: missense variant.
Genome position (GRCh38, 1-based): chr18:51,054,883, C>G. VCF-style: chr18-51054883-C-G. GRCh37 (hg19) VCF-style: chr18-48581253-C-G.
Other names: c.557C>G (NM_005359.5); short protein forms P186R.
Identifiers: ClinVar variation 1518602 (VCV001518602.10), dbSNP rs1909798390, ClinGen allele CA402460957.

ClinVar aggregate classification (germline): Uncertain significance. Review status: criteria provided, multiple submitters, no conflicts (2 of 4 stars). 2 submissions from 2 submitters: Uncertain significance (2). Last evaluated 2026-08-12.

Conditions:
Juvenile polyposis syndrome (JPS). Identifiers: Orphanet 2929, MedGen C0345893, MONDO:0017380, OMIM 174900.
Familial thoracic aortic aneurysm and aortic dissection (TAAD). Also called: Thoracic aortic aneurysms and dissections. Identifiers: Orphanet 91387, MedGen C4707243, MONDO:0019625.
Hereditary cancer-predisposing syndrome. Also called: Hereditary Cancer Syndrome; Tumor predisposition; Neoplastic Syndromes, Hereditary; Hereditary neoplastic syndrome. Identifiers: Orphanet 140162, MedGen C0027672, MeSH D009386, MONDO:0015356.

Submissions (2):

Ambry Genetics
Classification: Uncertain significance for Hereditary cancer-predisposing syndrome; Familial thoracic aortic aneurysm and aortic dissection. Last evaluated: 2026-08-12. Review status: criteria provided, single submitter. Criteria: Ambry Variant Classification Scheme 2023. Collection method: clinical testing. Allele origin: germline.
Comment: The p.P186R variant (also known as c.557C>G), located in coding exon 4 of the SMAD4 gene, results from a C to G substitution at nucleotide position 557. The proline at codon 186 is replaced by arginine, an amino acid with dissimilar properties. This amino acid position is highly conserved in available vertebrate species. In addition, this alteration is predicted to be deleterious by in silico analysis. Based on the available evidence, the clinical significance of this variant remains unclear.

Labcorp Genetics (formerly Invitae), Labcorp
Classification: Uncertain significance for Juvenile polyposis syndrome. Last evaluated: 2021-03-23. Review status: criteria provided, single submitter. Criteria: Invitae Variant Classification Sherloc (09022015). Collection method: clinical testing. Allele origin: germline.
Comment: This sequence change replaces proline with arginine at codon 186 of the SMAD4 protein (p.Pro186Arg). The proline residue is highly conserved and there is a moderate physicochemical difference between proline and arginine. This variant is not present in population databases (ExAC no frequency). This variant has not been reported in the literature in individuals with SMAD4-related conditions. Algorithms developed to predict the effect of missense changes on protein structure and function (SIFT, PolyPhen-2, Align-GVGD) all suggest that this variant is likely to be disruptive, but these predictions have not been confirmed by published functional studies and their clinical significance is uncertain. In summary, the available evidence is currently insufficient to determine the role of this variant in disease. Therefore, it has been classified as a Variant of Uncertain Significance.